The following is an entry in ClinVar:

NM_000283.4(PDE6B):c.1158G>A (p.Met386Ile)

Gene: PDE6B (phosphodiesterase 6B; plus strand). Cytogenetic location: 4p16.3.
Variant type: single nucleotide variant.
Coding change: c.1158G>A on transcript NM_000283.4 (MANE Select); coding-DNA position 1158, G replaced by A.
Protein change: p.Met386Ile; replaces methionine 386 with isoleucine.
Molecular consequence: missense variant. On other transcripts: initiator codon variant (1).
Genome position (GRCh38, 1-based): chr4:656,924, G>A. VCF-style: chr4-656924-G-A. GRCh37 (hg19) VCF-style: chr4-650713-G-A.
Other names: c.1158G>A, p.Met386Ile (NM_001145291.2); c.321G>A, p.Met107Ile (NM_001145292.2, NM_001350154.3, NM_001379246.1 and 1 more transcripts); c.3G>A, p.Met1Ile (NM_001350155.3); c.3G>A (NM_001350155.1); short protein forms M107I, M1I, M386I.
Identifiers: ClinVar variation 1053375 (VCV001053375.8), dbSNP rs138037719, ClinGen allele CA2794377.

ClinVar aggregate classification (germline): Uncertain significance. Review status: criteria provided, multiple submitters, no conflicts (2 of 4 stars). 2 submissions from 2 submitters: Uncertain significance (2). Last evaluated 2025-06-02.

Conditions:
PDE6B-related disorder. Also called: PDE6B-related disease; PDE6B-related condition; PDE6B-related disorders.

Allele frequency attached by ClinVar (database versions not stated): gnomAD exomes 0.00001 and 0.00002; ExAC 0.00003; ESP Exome Variant Server 0.00008; TOPMed 0.00010; gnomAD 0.00012 and 0.00014.
gnomAD v4.1: 28 of 1,612,866 alleles (0.0017%); highest among the groups gnomAD compares: African/African-American, 0.036%; no homozygotes.

Submissions (2):

PreventionGenetics, part of Exact Sciences
Classification: Uncertain significance for PDE6B-related condition. Last evaluated: 2025-06-02. Review status: criteria provided, single submitter. Criteria: ACMG Guidelines, 2015. Collection method: clinical testing. Allele origin: germline.
Comment: The PDE6B c.3G>A variant is predicted to disrupt the translation initiation site (Start Loss). To our knowledge, this variant has not been reported in the literature. This variant is reported in 0.020% of alleles in individuals of African descent in gnomAD. At this time, the clinical significance of this variant is uncertain due to the absence of conclusive functional and genetic evidence.

Labcorp Genetics (formerly Invitae), Labcorp
Classification: Uncertain significance. Last evaluated: 2024-12-02. Review status: criteria provided, single submitter. Criteria: Invitae Variant Classification Sherloc (09022015). Collection method: clinical testing. Allele origin: germline.
Comment: This sequence change replaces methionine, which is neutral and non-polar, with isoleucine, which is neutral and non-polar, at codon 386 of the PDE6B protein (p.Met386Ile). This variant is present in population databases (rs138037719, gnomAD 0.02%). This variant has not been reported in the literature in individuals affected with PDE6B-related conditions. ClinVar contains an entry for this variant (Variation ID: 1053375). Invitae Evidence Modeling of protein sequence and biophysical properties (such as structural, functional, and spatial information, amino acid conservation, physicochemical variation, residue mobility, and thermodynamic stability) indicates that this missense variant is not expected to disrupt PDE6B protein function with a negative predictive value of 95%. In summary, the available evidence is currently insufficient to determine the role of this variant in disease. Therefore, it has been classified as a Variant of Uncertain Significance.